The following is an entry in ClinVar:

ClinVar aggregate classification (germline): Uncertain significance. Review status: criteria provided, multiple submitters, no conflicts (2 of 4 stars). 2 submissions from 2 submitters: Uncertain significance (2). Last evaluated 2023-11-20.

Conditions:
Al Kaissi syndrome. Also called: GROWTH RETARDATION, SPINE MALFORMATION, DYSMORPHIC FACIES, AND DEVELOPMENTAL DELAY. Identifiers: MedGen C4540156, MONDO:0044324, OMIM 617694.

Allele frequency attached by ClinVar (database versions not stated): ExAC 0.00002; gnomAD exomes 0.00002; TOPMed 0.00002; gnomAD 0.00003 and 0.00004; ESP Exome Variant Server 0.00008.
gnomAD v4.1: 22 of 1,613,690 alleles (0.0014%); highest among the groups gnomAD compares: African/African-American, 0.0027%; no homozygotes.

Submissions (2):

GeneDx
Classification: Uncertain significance. Last evaluated: 2023-11-20. Review status: criteria provided, single submitter. Criteria: GeneDx Variant Classification Process June 2021. Collection method: clinical testing. Allele origin: germline. Affected: yes.
Comment: In silico analysis supports that this missense variant has a deleterious effect on protein structure/function; Has not been previously published as pathogenic or benign to our knowledge

Baylor Genetics
Classification: Uncertain significance for Al Kaissi syndrome. Last evaluated: 2020-09-11. Review status: criteria provided, single submitter. Criteria: ACMG Guidelines, 2015. Collection method: clinical testing. Allele origin: unknown. Affected: yes.
Comment: This variant was determined to be of uncertain significance according to ACMG Guidelines, 2015 [PMID:25741868].

NM_052988.5(CDK10):c.661G>A (p.Asp221Asn)

Gene: CDK10 (cyclin dependent kinase 10; plus strand). Cytogenetic location: 16q24.3.
Variant type: single nucleotide variant.
Coding change: c.661G>A on transcript NM_052988.5 (MANE Select); coding-DNA position 661, G replaced by A.
Protein change: p.Asp221Asn; replaces aspartic acid 221 with asparagine.
Molecular consequence: missense variant. On other transcripts: non-coding transcript variant (2).
Genome position (GRCh38, 1-based): chr16:89,694,225, G>A. VCF-style: chr16-89694225-G-A. GRCh37 (hg19) VCF-style: chr16-89760633-G-A.
Other names: c.448G>A, p.Asp150Asn (NM_001098533.3, NM_001160367.2, NM_052987.4); c.661G>A (NM_052988.4); short protein forms D150N, D221N.
Identifiers: ClinVar variation 1027756 (VCV001027756.2), dbSNP rs145469184, ClinGen allele CA8248037.